The following is an entry in ClinVar:

NM_001458.5(FLNC):c.7106G>A (p.Cys2369Tyr)

Genes: FLNC-AS1 (FLNC antisense RNA 1; minus strand), FLNC (filamin C; plus strand). Cytogenetic location: 7q32.1.
Variant type: single nucleotide variant.
Coding change: c.7106G>A on transcript NM_001458.5 (MANE Select); coding-DNA position 7106, G replaced by A.
Protein change: p.Cys2369Tyr; replaces cysteine 2369 with tyrosine.
Molecular consequence: missense variant.
Genome position (GRCh38, 1-based): chr7:128,854,883, G>A. VCF-style: chr7-128854883-G-A. GRCh37 (hg19) VCF-style: chr7-128494937-G-A.
Other names: c.7007G>A, p.Cys2336Tyr (NM_001127487.2); c.7106G>A (NM_001458.4); short protein forms C2336Y, C2369Y.
Identifiers: ClinVar variation 1478403 (VCV001478403.9), dbSNP rs2128939641, ClinGen allele CA369215302.

ClinVar aggregate classification (germline): Uncertain significance. Review status: criteria provided, multiple submitters, no conflicts (2 of 4 stars). 2 submissions from 2 submitters: Uncertain significance (2). Last evaluated 2022-10-19.

Conditions:
Myofibrillar myopathy 5. Also called: Filaminopathy (type); FILAMINOPATHY, AUTOSOMAL DOMINANT. Identifiers: Orphanet 171445, MedGen C1836050, MONDO:0012289, OMIM 609524.
Distal myopathy with posterior leg and anterior hand involvement. Also called: WILLIAMS DISTAL MYOPATHY. Identifiers: Orphanet 63273, MedGen C3279722, MONDO:0013550, OMIM 614065.
Hypertrophic cardiomyopathy 26. Also called: Cardiomyopathy, familial hypertrophic, 26. Identifiers: Orphanet 75249, MedGen C4310749, MONDO:0014883, OMIM 617047.

Submissions (2):

Labcorp Genetics (formerly Invitae), Labcorp
Classification: Uncertain significance for Distal myopathy with posterior leg and anterior hand involvement; Myofibrillar myopathy 5; Hypertrophic cardiomyopathy 26. Last evaluated: 2022-10-19. Review status: criteria provided, single submitter. Criteria: Invitae Variant Classification Sherloc (09022015). Collection method: clinical testing. Allele origin: germline.
Comment: In summary, the available evidence is currently insufficient to determine the role of this variant in disease. Therefore, it has been classified as a Variant of Uncertain Significance. Advanced modeling of protein sequence and biophysical properties (such as structural, functional, and spatial information, amino acid conservation, physicochemical variation, residue mobility, and thermodynamic stability) performed at Invitae indicates that this missense variant is not expected to disrupt FLNC protein function. ClinVar contains an entry for this variant (Variation ID: 1478403). This variant has not been reported in the literature in individuals affected with FLNC-related conditions. This variant is not present in population databases (gnomAD no frequency). This sequence change replaces cysteine, which is neutral and slightly polar, with tyrosine, which is neutral and polar, at codon 2369 of the FLNC protein (p.Cys2369Tyr).

Revvity Omics, Revvity
Classification: Uncertain significance. Last evaluated: 2021-08-17. Review status: criteria provided, single submitter. Criteria: ACMG Guidelines, 2015. Collection method: clinical testing. Allele origin: germline.